The following is an entry in ClinVar:

NM_014297.5(ETHE1):c.79C>A (p.Gln27Lys)

Gene: ETHE1 (ETHE1 persulfide dioxygenase; minus strand). Cytogenetic location: 19q13.31.
Variant type: single nucleotide variant.
Coding change: c.79C>A on transcript NM_014297.5 (MANE Select); coding-DNA position 79, C replaced by A.
Protein change: p.Gln27Lys; replaces glutamine 27 with lysine.
Molecular consequence: missense variant. On other transcripts: 5 prime UTR variant (1).
Genome position (GRCh38, 1-based): chr19:43,527,099, G>T on the plus strand (C>A on the coding strand, the complement: ETHE1 is on the minus strand). VCF-style: chr19-43527099-G-T. GRCh37 (hg19) VCF-style: chr19-44031251-G-T.
Other names: c.79C>A, p.Gln27Lys (NM_001320867.2, NM_001320869.2); c.-142C>A (NM_001320868.2); short protein forms Q27K.
Identifiers: ClinVar variation 617791 (VCV000617791.28), dbSNP rs749803238, ClinGen allele CA9487970.
Genomic context (GRCh38, chr19:43,527,099, plus strand): 5'-TCCGTCCTTGCTGCCGCCTAGTGCCCAGCAGTCCCCTCCTAGGTCCAGCCACCCGCACCT[G>T]CCGCAGGAGGATGGGGGCTCCAGACCCGCCGCGCTGGCTCAGCTGCCGCCGGGCGACCCT-3'
Protein context (NP_055112.2, residues 17-37): GGSGAPILLR[Gln27Lys]MFEPVSCTFT

ClinVar aggregate classification (germline): Pathogenic/Likely pathogenic. Review status: criteria provided, multiple submitters, no conflicts (2 of 4 stars). 6 submissions from 6 submitters: Pathogenic (2); Likely pathogenic (3). 1 of the submissions does not count toward it. Last evaluated 2025-07-14.

Conditions:
Ethylmalonic encephalopathy (EE). Also called: EPEMA syndrome; Encephalopathy, petechiae, and ethylmalonic aciduria; Syndrome of encephalopathy, petechiae, and ethylmalonic aciduria. Identifiers: Orphanet 51188, MedGen C1865349, MONDO:0011229, OMIM 602473. Disease mechanism: loss of function.
ETHE1-related disorders.

gnomAD v4.1: 4 of 1,555,300 alleles (0.00026%); highest among the groups gnomAD compares: Non-Finnish European, 0.00035%; no homozygotes.

Submissions (6):

Natera, Inc.
Classification: Likely pathogenic for Ethylmalonic encephalopathy. Last evaluated: 2025-07-14. Review status: criteria provided, single submitter. Criteria: Natera Variant Classification Schema (03/2026). Collection method: clinical testing. Allele origin: germline.
Comment: The c.79C>A variant in ETHE1 is a missense variant predicted to cause substitution of glutamine to lysine at amino acid 27. This variant is rare in the general population with a frequency below the threshold expected for the associated phenotype(s). This variant has been observed in one or more individuals affected with the associated recessive disease, as either homozygous or compound heterozygous with a second variant (PMID: 19289697). This variant has been identified in one or more affected individuals with a phenotype highly consistent with the associated gene (PMID:19289697). Computational prediction algorithms indicate this variant is likely to affect gene or protein function. Given the available evidence, this variant is classified as Likely Pathogenic.

CeGaT Center for Human Genetics Tuebingen
Classification: Likely pathogenic. Last evaluated: 2024-08-01. Review status: criteria provided, single submitter. Criteria: CeGaT Center For Human Genetics Tuebingen Variant Classification Criteria Version 2. Collection method: clinical testing. Allele origin: germline. Affected: yes. Observed: 2 variant alleles.
Comment: ETHE1: PM3:Strong, PM2, PP3, PP4

Blueprint Genetics
Classification: Pathogenic for ETHE1-related disorders. Last evaluated: 2024-06-27. Review status: criteria provided, single submitter. Criteria: ACMG Guidelines, 2015. Collection method: clinical testing. Allele origin: germline. Affected: yes. Observed: 5 variant alleles.

Core Molecular Diagnostic Lab, McGill University Health Centre
Classification: Pathogenic for Ethylmalonic encephalopathy. Last evaluated: 2019-02-12. Review status: criteria provided, single submitter. Criteria: ACMG Guidelines, 2015. Collection method: clinical testing. Allele origin: inherited. Inheritance: Autosomal recessive inheritance. Affected: yes. Observed: 1 variant allele, 1 homozygote.

GeneDx
Classification: Likely pathogenic. Last evaluated: 2017-06-13. Review status: criteria provided, single submitter. Criteria: GeneDx Variant Classification Process June 2021. Collection method: clinical testing. Allele origin: germline. Affected: yes.
Comment: Not observed at a significant frequency in large population cohorts (Lek et al., 2016; McVean et al., 2012; Exome Variant Server); In silico analyses, including protein predictors and evolutionary conservation, support a deleterious effect; This variant is associated with the following publications: (PMID: 30349987, 19289697)

OMIM
Classification: Pathogenic for ENCEPHALOPATHY, ETHYLMALONIC. Last evaluated: 2024-10-22. Review status: no assertion criteria provided. Collection method: literature only. Allele origin: germline. Not counted in ClinVar's aggregate classification.

Literature cited by the submitters: PubMed 19289697 (cited by Natera, Inc. and OMIM); PubMed 30349987 (cited by Core Molecular Diagnostic Lab, McGill University Health Centre and OMIM).